The following is an entry in ClinVar:

ClinVar aggregate classification (germline): Pathogenic. Review status: criteria provided, multiple submitters, no conflicts (2 of 4 stars). 2 submissions from 2 submitters: Pathogenic (2). Last evaluated 2024-04-10.

Submissions (2):

Labcorp Genetics (formerly Invitae), Labcorp
Classification: Pathogenic. Last evaluated: 2024-04-10. Review status: criteria provided, single submitter. Criteria: Invitae Variant Classification Sherloc (09022015). Collection method: clinical testing. Allele origin: germline.
Comment: This sequence change replaces arginine, which is basic and polar, with serine, which is neutral and polar, at codon 165 of the KRT5 protein (p.Arg165Ser). This variant is not present in population databases (gnomAD no frequency). This missense change has been observed in individual(s) with epidermolysis bullosa simplex Dowling–Meara (PMID: 18384561, 21623745). ClinVar contains an entry for this variant (Variation ID: 432952). Advanced modeling of protein sequence and biophysical properties (such as structural, functional, and spatial information, amino acid conservation, physicochemical variation, residue mobility, and thermodynamic stability) has been performed at Invitae for this missense variant, however the output from this modeling did not meet the statistical confidence thresholds required to predict the impact of this variant on KRT5 protein function. For these reasons, this variant has been classified as Pathogenic.

GeneDx
Classification: Pathogenic. Last evaluated: 2018-01-08. Review status: criteria provided, single submitter. Criteria: GeneDx Variant Classification (06012015). Collection method: clinical testing. Allele origin: germline. Affected: yes.
Comment: The c.495 G>C nucleotide substitution in the KRT5 gene, resulting in the R165S amino acid change, has not been reported previously as a pathogenic variant nor as a benign variant, to our knowledge. However, a different nucleotide substitution (c.495 G>T) that also results in the R165S missense substitution has been reported in individuals with dominantly inherited EBS, supporting the functional importance of this residue (Yuan et al., 2008; Garcia et al., 2011). Additionally, missense variants in nearby residues (I161S, E168D,K, R169P,G, E170K,G) have also been reported in the Human Gene Mutation Database in association with EBS (Stenson et al., 2014). The R165S variant is not observed in large population cohorts (Lek et al., 2016; 1000 Genomes Consortium et al., 2015; Exome Variant Server). The R165S variant is a semi-conservative amino acid substitution, which may impact secondary protein structure as these residues differ in some properties. This substitution occurs at a position that is conserved across species and is found in the conserved head region of the keratin 5 protein. In silico analysis predicts this variant is probably damaging to the protein structure/function. We interpret R165S as a pathogenic variant.

Literature cited by the submitters: PubMed 18384561 (cited by Labcorp Genetics (formerly Invitae), Labcorp); PubMed 21623745 (cited by Labcorp Genetics (formerly Invitae), Labcorp).

NM_000424.4(KRT5):c.495G>C (p.Arg165Ser)

Gene: KRT5 (keratin 5; minus strand). Cytogenetic location: 12q13.13.
Variant type: single nucleotide variant.
Coding change: c.495G>C on transcript NM_000424.4 (MANE Select); coding-DNA position 495, G replaced by C.
Protein change: p.Arg165Ser; replaces arginine 165 with serine.
Molecular consequence: missense variant.
Genome position (GRCh38, 1-based): chr12:52,519,802, C>G on the plus strand (G>C on the coding strand, the complement: KRT5 is on the minus strand). VCF-style: chr12-52519802-C-G. GRCh37 (hg19) VCF-style: chr12-52913586-C-G.
Other names: short protein forms R165S.
Identifiers: ClinVar variation 432952 (VCV000432952.4), dbSNP rs267607456, ClinGen allele CA384928975.
Genomic context (GRCh38, chr12:52,519,802, plus strand): 5'-CTTGTCGATGAAGGAGGCAAACTTATTGTTGAGGGTCTTGATCTGCTCGCGCTCCTCGGT[C>G]CTCACCCTCTGGATGCTGGGGTCGATTTGCAGGTTGAGGGGAGTCAGGAGACTCTGGTTG-3'
Protein context (NP_000415.2, residues 155-175): LQIDPSIQRV[Arg165Ser]TEEREQIKTL